The following is an entry in ClinVar:

NM_004667.6(HERC2):c.11944C>T (p.Leu3982Phe)

Gene: HERC2 (HECT and RLD domain containing E3 ubiquitin protein ligase 2; minus strand). Cytogenetic location: 15q13.1.
Variant type: single nucleotide variant.
Coding change: c.11944C>T on transcript NM_004667.6 (MANE Select); coding-DNA position 11944, C replaced by T.
Protein change: p.Leu3982Phe; replaces leucine 3982 with phenylalanine.
Molecular consequence: missense variant.
Genome position (GRCh38, 1-based): chr15:28,141,503, G>A on the plus strand (C>T on the coding strand, the complement: HERC2 is on the minus strand). VCF-style: chr15-28141503-G-A. GRCh37 (hg19) VCF-style: chr15-28386649-G-A.
Other names: short protein forms L3982F.
Identifiers: ClinVar variation 1194923 (VCV001194923.3), dbSNP rs1225399889, ClinGen allele CA391381209.

ClinVar aggregate classification (germline): Uncertain significance (1 of 4 stars; one submission).

Allele frequency attached by ClinVar (database versions not stated): gnomAD exomes 0.00001; gnomAD 0.00003.
gnomAD v4.1: 19 of 1,614,034 alleles (0.0012%); highest among the groups gnomAD compares: Non-Finnish European, 0.0015%; no homozygotes.

Submission:

GeneDx
Classification: Uncertain significance. Last evaluated: 2025-09-12. Review status: criteria provided, single submitter. Criteria: GeneDx Variant Classification Process June 2021. Collection method: clinical testing. Allele origin: germline. Affected: yes.
Comment: Not observed at significant frequency in large population cohorts (gnomAD); In silico analysis supports that this missense variant has a deleterious effect on protein structure/function; Has not been previously published as pathogenic or benign to our knowledge